The following is an entry in ClinVar:

ClinVar aggregate classification (germline): Uncertain significance (0 of 4 stars; one submission).

Conditions:
BDNF-related disorder. Also called: BDNF-related condition.

Submission:

PreventionGenetics, part of Exact Sciences
Classification: Uncertain significance for BDNF-related condition. Last evaluated: 2024-01-03. Review status: no assertion criteria provided. Collection method: clinical testing. Allele origin: germline.
Comment: The BDNF c.664G>A variant is predicted to result in the amino acid substitution p.Val222Met. To our knowledge, this variant has not been reported in the literature. This variant is reported in 0.0029% of alleles in individuals of Latino descent in gnomAD. At this time, the clinical significance of this variant is uncertain due to the absence of conclusive functional and genetic evidence.

NM_001709.5(BDNF):c.418G>A (p.Val140Met)

Genes: BDNF (brain derived neurotrophic factor; minus strand), BDNF-AS (BDNF antisense RNA; plus strand). Cytogenetic location: 11p14.1.
Variant type: single nucleotide variant.
Coding change: c.418G>A on transcript NM_001709.5 (MANE Select); coding-DNA position 418, G replaced by A.
Protein change: p.Val140Met; replaces valine 140 with methionine.
Molecular consequence: missense variant.
Genome position (GRCh38, 1-based): chr11:27,658,147, C>T on the plus strand (G>A on the coding strand, the complement: BDNF is on the minus strand). VCF-style: chr11-27658147-C-T. GRCh37 (hg19) VCF-style: chr11-27679694-C-T.
Other names: c.418G>A, p.Val140Met (NM_001143805.1, NM_001143806.1, NM_001143807.2 and 9 more transcripts); c.505G>A, p.Val169Met (NM_001143809.2); c.664G>A, p.Val222Met (NM_001143810.2); c.442G>A, p.Val148Met (NM_170731.5); c.463G>A, p.Val155Met (NM_170734.4); short protein forms V140M, V148M, V155M, V169M, V222M.
Identifiers: ClinVar variation 3354272 (VCV003354272.1).